The following is an entry in ClinVar:

NM_172107.4(KCNQ2):c.950C>T (p.Ala317Val)

Gene: KCNQ2 (potassium voltage-gated channel subfamily Q member 2; minus strand). Cytogenetic location: 20q13.33.
Variant type: single nucleotide variant.
Coding change: c.950C>T on transcript NM_172107.4 (MANE Select); coding-DNA position 950, C replaced by T.
Protein change: p.Ala317Val; replaces alanine 317 with valine.
Molecular consequence: missense variant.
Genome position (GRCh38, 1-based): chr20:63,438,698, G>A on the plus strand (C>T on the coding strand, the complement: KCNQ2 is on the minus strand). VCF-style: chr20-63438698-G-A. GRCh37 (hg19) VCF-style: chr20-62070051-G-A.
Other names: c.950C>T, p.Ala317Val (NM_001382235.1, NM_004518.6, NM_172106.3 and 2 more transcripts); c.950C>T (NM_172107.2); short protein forms A317V.
Identifiers: ClinVar variation 3256780 (VCV003256780.4).
Genomic context (GRCh38, chr20:63,438,698, plus strand): 5'-GCTGCCGGGTTCCGCCTCTTCTCAAAGTGCTTCTGCCTGTGCTGCTCCTGAACCTTCAGG[G>A]CAAACCCAGACCCCAAGATGCCCTGCAATTCATCAGGGTCAGGTCACACCCCAGGGACCC-3'
Protein context (NP_742105.1, residues 307-327): LPAGILGSGF[Ala317Val]LKVQEQHRQK

ClinVar aggregate classification (germline): Conflicting classifications of pathogenicity. Review status: criteria provided, conflicting classifications (1 of 4 stars). 3 submissions from 3 submitters: Likely pathogenic (1); Uncertain significance (1). 1 of the submissions does not count toward it. Last evaluated 2025-02-28.

Conditions:
Early-infantile DEE. Also called: Early infantile epileptic encephalopathy; Early infantile epileptic encephalopathy with suppression bursts; Ohtahara syndrome. Identifiers: Orphanet 1934, MedGen C0393706, MONDO:0800491.
Developmental and epileptic encephalopathy, 7 (DEE7). Also called: Early infantile epileptic encephalopathy 7; KCNQ2-Related Neonatal-Onset Developmental and Epileptic Encephalopathy (NEO-DEE); KCNQ2-Related Neonatal Epileptic Encephalopathy. Identifiers: Orphanet 439218, MedGen C3150986, MONDO:0013387, OMIM 613720.

Submissions (3):

GeneDx
Classification: Likely pathogenic. Last evaluated: 2025-02-28. Review status: criteria provided, single submitter. Criteria: GeneDx Variant Classification Process June 2021. Collection method: clinical testing. Allele origin: germline. Affected: yes.
Comment: De novo variant with confirmed parentage in a patient in published literature from a cohort of individuals with developmental disorders; however, detailed clinical information was not provided (PMID: 33057194); In silico analysis supports that this missense variant has a deleterious effect on protein structure/function; Not observed at significant frequency in large population cohorts (gnomAD); This substitution is predicted to be within the C-terminal cytoplasmic domain.; This variant is associated with the following publications: (PMID: 35982159, 33057194)

Labcorp Genetics (formerly Invitae), Labcorp
Classification: Uncertain significance for Early-infantile DEE. Last evaluated: 2024-05-09. Review status: criteria provided, single submitter. Criteria: Invitae Variant Classification Sherloc (09022015). Collection method: clinical testing. Allele origin: germline.
Comment: This sequence change replaces alanine, which is neutral and non-polar, with valine, which is neutral and non-polar, at codon 317 of the KCNQ2 protein (p.Ala317Val). This variant is not present in population databases (gnomAD no frequency). This variant has not been reported in the literature in individuals affected with KCNQ2-related conditions. Advanced modeling of protein sequence and biophysical properties (such as structural, functional, and spatial information, amino acid conservation, physicochemical variation, residue mobility, and thermodynamic stability) performed at Invitae indicates that this missense variant is expected to disrupt KCNQ2 protein function with a positive predictive value of 95%. Algorithms developed to predict the effect of sequence changes on RNA splicing suggest that this variant may disrupt the consensus splice site. In summary, the available evidence is currently insufficient to determine the role of this variant in disease. Therefore, it has been classified as a Variant of Uncertain Significance.

Solve-RD Consortium
Classification: Likely pathogenic for Developmental and epileptic encephalopathy, 7. Last evaluated: 2022-06-01. Review status: no assertion criteria provided. Collection method: provider interpretation. Allele origin: inherited. Affected: yes. Not counted in ClinVar's aggregate classification.
Comment: Variant confirmed as disease-causing by referring clinical team

Variant identified during reanalysis of unsolved cases by the Solve-RD project. The Solve-RD project has received funding from the European Union’s Horizon 2020 research and innovation programme under grant agreement No 779257.

Literature cited by the submitters: PubMed 39825153 (cited by Solve-RD Consortium).